The following is an entry in ClinVar:

ClinVar aggregate classification (germline): Likely benign. Review status: criteria provided, multiple submitters, no conflicts (2 of 4 stars). 3 submissions from 3 submitters: Likely benign (3). Last evaluated 2025-12-15.

Conditions:
Hereditary cancer-predisposing syndrome. Also called: Neoplastic Syndromes, Hereditary; Hereditary neoplastic syndrome; Tumor predisposition; Hereditary Cancer Syndrome. Identifiers: Orphanet 140162, MedGen C0027672, MeSH D009386, MONDO:0015356.
Oligodontia-cancer predisposition syndrome. Also called: TOOTH AGENESIS-COLORECTAL CANCER SYNDROME. Identifiers: Orphanet 300576, MedGen C1837750, MONDO:0012075, OMIM 608615. Disease mechanism: loss of function.

Allele frequency attached by ClinVar (database versions not stated): TOPMed below 0.00001.
gnomAD v4.1: 11 of 1,577,414 alleles (0.0007%); highest among the groups gnomAD compares: Non-Finnish European, 0.00095%; no homozygotes.

Submissions (3):

Labcorp Genetics (formerly Invitae), Labcorp
Classification: Likely benign for Oligodontia-cancer predisposition syndrome. Last evaluated: 2025-12-15. Review status: criteria provided, single submitter. Criteria: Invitae Variant Classification Sherloc (09022015). Collection method: clinical testing. Allele origin: germline.

Ambry Genetics
Classification: Likely benign for Hereditary cancer-predisposing syndrome. Last evaluated: 2019-01-07. Review status: criteria provided, single submitter. Criteria: Ambry Variant Classification Scheme 2023. Collection method: clinical testing. Allele origin: germline.

GeneDx
Classification: Likely benign. Last evaluated: 2017-11-21. Review status: criteria provided, single submitter. Criteria: GeneDx Variant Classification (06012015). Collection method: clinical testing. Allele origin: germline. Affected: yes.
Comment: This variant is considered likely benign or benign based on one or more of the following criteria: it is a conservative change, it occurs at a poorly conserved position in the protein, it is predicted to be benign by multiple in silico algorithms, and/or has population frequency not consistent with disease.

NM_004655.4(AXIN2):c.1389C>T (p.Arg463=)

Gene: AXIN2 (axin 2; minus strand). Cytogenetic location: 17q24.1.
Variant type: single nucleotide variant.
Coding change: c.1389C>T on transcript NM_004655.4 (MANE Select); coding-DNA position 1389, C replaced by T.
Protein change: p.Arg463=; no amino-acid change (arginine 463 retained).
Molecular consequence: synonymous variant.
Genome position (GRCh38, 1-based): chr17:65,537,647, G>A on the plus strand (C>T on the coding strand, the complement: AXIN2 is on the minus strand). VCF-style: chr17-65537647-G-A. GRCh37 (hg19) VCF-style: chr17-63533765-G-A.
Other names: c.1389C>T (LRG_296t1); c.1389C>T, p.Arg463= (NM_001363813.1).
Identifiers: ClinVar variation 239985 (VCV000239985.16), dbSNP rs878854721, ClinGen allele CA10583650.